The following is an entry in ClinVar:

ClinVar aggregate classification (germline): Likely benign. Review status: criteria provided, multiple submitters, no conflicts (2 of 4 stars). 5 submissions from 5 submitters: Likely benign (5). Last evaluated 2026-01-26.

Conditions:
Cardiovascular phenotype. Identifiers: MedGen CN230736.

Allele frequency attached by ClinVar (database versions not stated): ExAC 0.00007; ESP Exome Variant Server 0.00008; TOPMed 0.00010.
gnomAD v4.1: 130 of 1,613,658 alleles (0.0081%); highest among the groups gnomAD compares: Middle Eastern, 0.033%; no homozygotes.

Submissions (5):

Labcorp Genetics (formerly Invitae), Labcorp
Classification: Likely benign. Last evaluated: 2026-01-26. Review status: criteria provided, single submitter. Criteria: Invitae Variant Classification Sherloc (09022015). Collection method: clinical testing. Allele origin: germline.

Women's Health and Genetics/Laboratory Corporation of America, LabCorp
Classification: Likely benign. Last evaluated: 2025-12-01. Review status: criteria provided, single submitter. Criteria: LabCorp Variant Classification Summary - May 2015. Collection method: clinical testing. Allele origin: germline.

CeGaT Center for Human Genetics Tuebingen
Classification: Likely benign. Last evaluated: 2024-01-01. Review status: criteria provided, single submitter. Criteria: CeGaT Center For Human Genetics Tuebingen Variant Classification Criteria Version 2. Collection method: clinical testing. Allele origin: germline. Affected: yes. Observed: 1 variant allele.
Comment: PRDM5: BP4, BP7

GeneDx
Classification: Likely benign. Last evaluated: 2021-07-23. Review status: criteria provided, single submitter. Criteria: GeneDx Variant Classification Process June 2021. Collection method: clinical testing. Allele origin: germline. Affected: yes.

Ambry Genetics
Classification: Likely benign for Cardiovascular phenotype. Last evaluated: 2020-05-06. Review status: criteria provided, single submitter. Criteria: Ambry Variant Classification Scheme 2023. Collection method: clinical testing. Allele origin: germline.

NM_018699.4(PRDM5):c.237C>T (p.Ser79=)

Gene: PRDM5 (PR/SET domain 5; minus strand). Cytogenetic location: 4q27.
Variant type: single nucleotide variant.
Coding change: c.237C>T on transcript NM_018699.4 (MANE Select); coding-DNA position 237, C replaced by T.
Protein change: p.Ser79=; no amino-acid change (serine 79 retained).
Molecular consequence: synonymous variant.
Genome position (GRCh38, 1-based): chr4:120,853,481, G>A on the plus strand (C>T on the coding strand, the complement: PRDM5 is on the minus strand). VCF-style: chr4-120853481-G-A. GRCh37 (hg19) VCF-style: chr4-121774636-G-A.
Other names: c.237C>T, p.Ser79= (NM_001300823.2, NM_001300824.2, NM_001379104.1 and 1 more transcripts).
Identifiers: ClinVar variation 347452 (VCV000347452.39), dbSNP rs374500219, ClinGen allele CA3061451.